The following is an entry in ClinVar:

NM_030777.4(SLC2A10):c.5G>C (p.Gly2Ala)

Gene: SLC2A10 (solute carrier family 2 member 10; plus strand). Cytogenetic location: 20q13.12.
Variant type: single nucleotide variant.
Coding change: c.5G>C on transcript NM_030777.4 (MANE Select); coding-DNA position 5, G replaced by C.
Protein change: p.Gly2Ala; replaces glycine 2 with alanine.
Molecular consequence: missense variant.
Genome position (GRCh38, 1-based): chr20:46,725,041, G>C. VCF-style: chr20-46725041-G-C. GRCh37 (hg19) VCF-style: chr20-45353680-G-C.
Other names: short protein forms G2A.
Identifiers: ClinVar variation 467817 (VCV000467817.9), dbSNP rs1555887782, ClinGen allele CA409266069.

ClinVar aggregate classification (germline): Uncertain significance (1 of 4 stars; one submission).

Conditions:
Arterial tortuosity syndrome (ATORS). Identifiers: Orphanet 3342, MedGen C1859726, MONDO:0008818, OMIM 208050.

Allele frequency attached by ClinVar (database versions not stated): TOPMed below 0.00001.

Submission:

Labcorp Genetics (formerly Invitae), Labcorp
Classification: Uncertain significance for Arterial tortuosity syndrome. Last evaluated: 2017-01-18. Review status: criteria provided, single submitter. Criteria: Invitae Variant Classification Sherloc (09022015). Collection method: clinical testing. Allele origin: germline.
Comment: In summary, this variant is a novel missense change with uncertain impact on protein function. It has been classified as a Variant of Uncertain Significance. Algorithms developed to predict the effect of sequence changes on RNA splicing suggest that this variant may alter RNA splicing, but this prediction has not been confirmed by published transcriptional studies. Algorithms developed to predict the effect of missense changes on protein structure and function do not agree on the potential impact of this missense change (SIFT: "Deleterious"; PolyPhen-2: "Probably Damaging"; Align-GVGD: "Class C0"). This variant is not present in population databases (ExAC no frequency) and has not been reported in the literature in individuals with a SLC2A10-related disease. This sequence change replaces glycine with alanine at codon 2 of the SLC2A10 protein (p.Gly2Ala). The glycine residue is moderately conserved and there is a small physicochemical difference between glycine and alanine.